The following is an entry in ClinVar:

ClinVar aggregate classification (germline): Uncertain significance. Review status: criteria provided, multiple submitters, no conflicts (2 of 4 stars). 4 submissions from 4 submitters: Uncertain significance (4). Last evaluated 2022-08-29.

Conditions:
Donnai-Barrow syndrome. Also called: DBS/FOAR SYNDROME; FACIOOCULOACOUSTICORENAL SYNDROME. Identifiers: Orphanet 2143, MedGen C1857277, MONDO:0009104, OMIM 222448.

Allele frequency attached by ClinVar (database versions not stated): gnomAD 0.00001; gnomAD exomes 0.00001 and 0.00002; ExAC 0.00002.
gnomAD v4.1: 38 of 1,614,008 alleles (0.0024%); highest among the groups gnomAD compares: East Asian, 0.062%; no homozygotes.

Submissions (4):

Blueprint Genetics
Classification: Uncertain significance. Last evaluated: 2022-08-29. Review status: criteria provided, single submitter. Criteria: ACMG Guidelines, 2015. Collection method: clinical testing. Allele origin: germline.

Labcorp Genetics (formerly Invitae), Labcorp
Classification: Uncertain significance. Last evaluated: 2022-06-13. Review status: criteria provided, single submitter. Criteria: Invitae Variant Classification Sherloc (09022015). Collection method: clinical testing. Allele origin: germline.
Comment: This sequence change replaces glycine, which is neutral and non-polar, with serine, which is neutral and polar, at codon 1602 of the LRP2 protein (p.Gly1602Ser). This variant is present in population databases (rs765078256, gnomAD 0.01%). This variant has not been reported in the literature in individuals affected with LRP2-related conditions. Advanced modeling of protein sequence and biophysical properties (such as structural, functional, and spatial information, amino acid conservation, physicochemical variation, residue mobility, and thermodynamic stability) performed at Invitae indicates that this missense variant is expected to disrupt LRP2 protein function. Algorithms developed to predict the effect of sequence changes on RNA splicing suggest that this variant may create or strengthen a splice site. In summary, the available evidence is currently insufficient to determine the role of this variant in disease. Therefore, it has been classified as a Variant of Uncertain Significance.

Fulgent Genetics
Classification: Uncertain significance for Donnai-Barrow syndrome. Last evaluated: 2022-02-07. Review status: criteria provided, single submitter. Criteria: ACMG Guidelines, 2015. Collection method: clinical testing. Allele origin: unknown.

Daryl Scott Lab, Baylor College of Medicine
Classification: Uncertain significance for Donnai-Barrow syndrome. Review status: criteria provided, single submitter. Criteria: ACMG Guidelines, 2015. Collection method: clinical testing. Allele origin: paternal. Affected: yes. Observed: 1 compound heterozygote.
Comment: PM2, PP3

NM_004525.3(LRP2):c.4804G>A (p.Gly1602Ser)

Gene: LRP2 (LDL receptor related protein 2; minus strand). Cytogenetic location: 2q31.1.
Variant type: single nucleotide variant.
Coding change: c.4804G>A on transcript NM_004525.3 (MANE Select); coding-DNA position 4804, G replaced by A.
Protein change: p.Gly1602Ser; replaces glycine 1602 with serine.
Molecular consequence: missense variant.
Genome position (GRCh38, 1-based): chr2:169,235,956, C>T on the plus strand (G>A on the coding strand, the complement: LRP2 is on the minus strand). VCF-style: chr2-169235956-C-T. GRCh37 (hg19) VCF-style: chr2-170092466-C-T.
Other names: short protein forms G1602S.
Identifiers: ClinVar variation 1378269 (VCV001378269.8), dbSNP rs765078256, ClinGen allele CA1954702.